The following is an entry in ClinVar:

ClinVar aggregate classification (germline): Uncertain significance (1 of 4 stars; one submission).

Submission:

Ambry Genetics
Classification: Uncertain significance. Last evaluated: 2021-10-14. Review status: criteria provided, single submitter. Criteria: Ambry Variant Classification Scheme 2023. Collection method: clinical testing. Allele origin: germline.
Comment: The p.S377T variant (also known as c.1130G>C), located in coding exon 9 of the FAM175A gene, results from a G to C substitution at nucleotide position 1130. The serine at codon 377 is replaced by threonine, an amino acid with similar properties. This amino acid position is conserved. In addition, this alteration is predicted to be tolerated by in silico analysis. Since supporting evidence is limited at this time, the clinical significance of this alteration remains unclear.

NM_139076.3(ABRAXAS1):c.1130G>C (p.Ser377Thr)

Gene: ABRAXAS1 (abraxas 1, BRCA1 A complex subunit; minus strand). Cytogenetic location: 4q21.23.
Variant type: single nucleotide variant.
Coding change: c.1130G>C on transcript NM_139076.3 (MANE Select); coding-DNA position 1130, G replaced by C.
Protein change: p.Ser377Thr; replaces serine 377 with threonine.
Molecular consequence: missense variant.
Genome position (GRCh38, 1-based): chr4:83,462,569, C>G on the plus strand (G>C on the coding strand, the complement: ABRAXAS1 is on the minus strand). VCF-style: chr4-83462569-C-G. GRCh37 (hg19) VCF-style: chr4-84383722-C-G.
Other names: c.803G>C, p.Ser268Thr (NM_001345962.2); short protein forms S268T, S377T.
Identifiers: ClinVar variation 1799792 (VCV001799792.2), dbSNP rs1298747950, ClinGen allele CA357255071.